The following is an entry in ClinVar:

ClinVar aggregate classification (germline): Likely pathogenic. Review status: criteria provided, multiple submitters, no conflicts (2 of 4 stars). 2 submissions from 2 submitters: Likely pathogenic (2). Last evaluated 2024-08-21.

Conditions:
Mitochondrial neurogastrointestinal encephalomyopathy. Also called: Mitochondrial neurogastrointestinal encephalopathy syndrome; MNGIE syndrome; Thymidine phosphorylase deficiency. Identifiers: Orphanet 298, MedGen C0872218, MONDO:0017575.
Mitochondrial DNA depletion syndrome 1. Also called: Mitochondrial Neurogastrointestinal Encephalopathy Disease; MITOCHONDRIAL NEUROGASTROINTESTINAL ENCEPHALOPATHY SYNDROME, TYMP-RELATED; MNGIE, TYMP-RELATED; Mitochondrial neurogastrointestinal encephalomyopathy syndrome; Mitochondrial DNA Depletion Syndrome, MNGIE Form; POLIP SYNDROME. Identifiers: Orphanet 298, MedGen C4551995, MONDO:0011283, OMIM 603041.

Submissions (2):

Natera, Inc.
Classification: Likely pathogenic for Mitochondrial neurogastrointestinal encephalomyopathy. Last evaluated: 2024-08-21. Review status: criteria provided, single submitter. Criteria: Natera Variant Classification Schema (03/2026). Collection method: clinical testing. Allele origin: germline.
Comment: The c.532_548dupGACCAGGCGGGCTGCTG variant in TYMP is a frameshift variant predicted to shift the reading frame beginning at codon 183 and leads to a stop codon 28 codons downstream. This variant is expected to result in nonsense mediated decay, truncation, or a dysfunctional protein product. This variant is rare in the general population with a frequency below the threshold expected for the associated phenotype(s). Given the available evidence, this variant is classified as Likely Pathogenic.

Baylor Genetics
Classification: Likely pathogenic for Mitochondrial DNA depletion syndrome 1. Last evaluated: 2023-04-03. Review status: criteria provided, single submitter. Criteria: ACMG Guidelines, 2015. Collection method: clinical testing. Allele origin: unknown.

NM_001953.5(TYMP):c.532_548dup (p.Cys183fs)

Gene: TYMP (thymidine phosphorylase; minus strand). Cytogenetic location: 22q13.33.
Variant type: Duplication.
Coding change: c.532_548dup on transcript NM_001953.5 (MANE Select); coding-DNA positions 532 to 548, 17 bases duplicated (GACCAGGCGGGCTGCTG).
Protein change: p.Cys183fs; shifts the reading frame from cysteine 183.
Molecular consequence: frameshift variant.
Genome position (GRCh38, 1-based): chr22:50,527,686-50,527,702, CAGCAGCCCGCCTGGTC duplicated on the plus strand (GACCAGGCGGGCTGCTG on the coding strand, the reverse complement: TYMP is on the minus strand); duplicating any 17 consecutive bases within chr22:50,527,686-50,527,709 gives the same sequence; the c. name uses the placement nearest the transcript's 3' end. VCF-style (leftmost placement, unchanged base first): chr22-50527685-A-ACAGCAGCCCGCCTGGTC. GRCh37 (hg19) VCF-style: chr22-50966114-A-ACAGCAGCCCGCCTGGTC.
Other names: c.532_548dup, p.Cys183fs (NM_001257989.1, NM_001113755.3, NM_001113756.3 and 1 more transcripts); c.532_548dupGACCAGGCGGGCTGCTG (NM_001953.4); short protein forms C183fs.
Identifiers: ClinVar variation 2679397 (VCV002679397.2), dbSNP rs2522531011, ClinGen allele CA2695200132.